The following is an entry in ClinVar:

NM_004360.5(CDH1):c.2629G>A (p.Gly877Arg)

Gene: CDH1 (cadherin 1; plus strand). Cytogenetic location: 16q22.1.
Variant type: single nucleotide variant.
Coding change: c.2629G>A on transcript NM_004360.5 (MANE Select); coding-DNA position 2629, G replaced by A.
Protein change: p.Gly877Arg; replaces glycine 877 with arginine.
Molecular consequence: missense variant.
Genome position (GRCh38, 1-based): chr16:68,833,479, G>A. VCF-style: chr16-68833479-G-A. GRCh37 (hg19) VCF-style: chr16-68867382-G-A.
Other names: c.2629G>A (LRG_301t1); c.2446G>A, p.Gly816Arg (NM_001317184.2); c.1081G>A, p.Gly361Arg (NM_001317185.2); c.664G>A, p.Gly222Arg (NM_001317186.2); short protein forms G877R, G361R, G222R, G816R.
Identifiers: ClinVar variation 423788 (VCV000423788.24), dbSNP rs555842031, ClinGen allele CA8130317.

ClinVar aggregate classification (germline): Uncertain significance. Review status: criteria provided, multiple submitters, no conflicts (2 of 4 stars). 6 submissions from 6 submitters: Uncertain significance (6). Last evaluated 2025-11-17.

Conditions:
Hereditary cancer-predisposing syndrome. Also called: Hereditary neoplastic syndrome; Hereditary Cancer Syndrome; Neoplastic Syndromes, Hereditary; Tumor predisposition. Identifiers: Orphanet 140162, MedGen C0027672, MeSH D009386, MONDO:0015356.
Familial cancer of breast. Also called: hereditary breast carcinoma; Hereditary breast cancer; BREAST CANCER, FAMILIAL. Identifiers: Orphanet 227535, MedGen C0346153, MONDO:0016419, OMIM 114480. Disease mechanism: loss of function.
Hereditary diffuse gastric adenocarcinoma (HDGC). Also called: DIFFUSE GASTRIC AND LOBULAR BREAST CANCER SYNDROME. Identifiers: Orphanet 26106, MedGen C1708349, MONDO:0007648, OMIM 137215.

Allele frequency attached by ClinVar (database versions not stated): TOPMed below 0.00001; gnomAD 0.00001; gnomAD exomes 0.00001; ExAC 0.00002; 1000 Genomes Project 30x 0.00016; 1000 Genomes Project 0.00020.
gnomAD v4.1: 14 of 1,613,988 alleles (0.00087%); highest among the groups gnomAD compares: African/African-American, 0.0013%; no homozygotes.

Submissions (6):

Labcorp Genetics (formerly Invitae), Labcorp
Classification: Uncertain significance for Hereditary diffuse gastric adenocarcinoma. Last evaluated: 2025-11-17. Review status: criteria provided, single submitter. Criteria: Invitae Variant Classification Sherloc (09022015). Collection method: clinical testing. Allele origin: germline.
Comment: This sequence change replaces glycine, which is neutral and non-polar, with arginine, which is basic and polar, at codon 877 of the CDH1 protein (p.Gly877Arg). This variant is present in population databases (rs555842031, gnomAD 0.007%). This missense change has been observed in individual(s) with breast cancer and/or clinical features of hereditary diffuse gastric cancer (PMID: 30287823, 33322525). ClinVar contains an entry for this variant (Variation ID: 423788). An algorithm developed to predict the effect of missense changes on protein structure and function (PolyPhen-2) suggests that this variant is likely to be disruptive. In summary, the available evidence is currently insufficient to determine the role of this variant in disease. Therefore, it has been classified as a Variant of Uncertain Significance.

Ambry Genetics
Classification: Uncertain significance for Hereditary cancer-predisposing syndrome. Last evaluated: 2025-02-19. Review status: criteria provided, single submitter. Criteria: Ambry Variant Classification Scheme 2023. Collection method: clinical testing. Allele origin: germline.
Comment: The p.G877R variant (also known as c.2629G>A), located in coding exon 16 of the CDH1 gene, results from a G to A substitution at nucleotide position 2629. The glycine at codon 877 is replaced by arginine, an amino acid with dissimilar properties. This alteration was reported in an individual with gastric cancer (Marwitz T et al. Cancers (Basel), 2020 Dec;12:). This alteration was observed in 1 of 7,051 unselected female breast cancer patients and in 1 of 11,241 female controls of Japanese ancestry (Momozawa Y et al. Nat Commun. 2018 Oct 4;9(1):4083). This amino acid position is highly conserved in available vertebrate species. In addition, this alteration is predicted to be deleterious by in silico analysis. Since supporting evidence is limited at this time, the clinical significance of this alteration remains unclear.

Color Diagnostics, LLC DBA Color Health
Classification: Uncertain significance for Hereditary cancer-predisposing syndrome. Last evaluated: 2024-05-31. Review status: criteria provided, single submitter. Criteria: ACMG Guidelines, 2015. Collection method: clinical testing. Allele origin: germline.
Comment: This missense variant replaces glycine with arginine at codon 877 of the CDH1 protein. To our knowledge, functional studies have not been reported for this variant. This variant has been reported in a family affected with gastric cancer in the literature (PMID: 33322525). In one breast cancer case-control study, this variant has been reported in 1/7051 individuals affected with breast cancer and 0/11241 unaffected controls (PMID: 30287823), and in another large breast cancer case-control study is was reported in 0/60466 breast cancer cases and 1/53461 unaffected controls (PMID: 33471991). This variant has been identified in 3/251452 chromosomes in the general population by the Genome Aggregation Database (gnomAD). The available evidence is insufficient to determine the role of this variant in disease conclusively. Therefore, this variant is classified as a Variant of Uncertain Significance.

Baylor Genetics
Classification: Uncertain significance for Familial cancer of breast. Last evaluated: 2023-08-07. Review status: criteria provided, single submitter. Criteria: ACMG Guidelines, 2015. Collection method: clinical testing. Allele origin: unknown.

GeneDx
Classification: Uncertain significance. Last evaluated: 2022-02-04. Review status: criteria provided, single submitter. Criteria: GeneDx Variant Classification Process June 2021. Collection method: clinical testing. Allele origin: germline. Affected: yes.
Comment: Not observed at significant frequency in large population cohorts (gnomAD); In silico analysis supports that this missense variant has a deleterious effect on protein structure/function; Observed in an individual with breast cancer and in an individual with a personal and/or family history of diffuse gastric cancer (Momozawa 2018, Marwitz 2020); This variant is associated with the following publications: (PMID: 15235021, 22850631, 30287823, 33322525)

Sema4
Classification: Uncertain significance for Hereditary cancer-predisposing syndrome. Last evaluated: 2021-06-11. Review status: criteria provided, single submitter. Criteria: Sema4 Curation Guidelines. Collection method: curation. Allele origin: germline.
Comment: The CDH1 c.2629G>A (p.G877R) variant has been reported in heterozygosity in at least one individual with breast cancer (PMID: 30287823), two individuals from one family with gastric cancer (PMID 33322525), and healthy controls (PMID: 33471991). It was observed in 1/16256 chromosomes of the African/African American subpopulation in the large and broad cohorts of the Genome Aggregation Database. The variant has been reported in ClinVar (Variation ID 423788). In silico tools suggest the impact of the variant on protein function is inconclusive, though these predictions have not been confirmed by functional studies. The evidence is insufficient to meet ACMG/AMP criteria for classifying the variant as benign or pathogenic. Thus, the clinical significance of this variant is currently uncertain.

Literature cited by the submitters: PubMed 30287823 (cited by 4 submitters); PubMed 33322525 (cited by 4 submitters); PubMed 33471991 (cited by Color Diagnostics, LLC DBA Color Health and Sema4).